The following is an entry in ClinVar:

NM_001371986.1(UNC80):c.4508C>T (p.Pro1503Leu)

Gene: UNC80 (unc-80 subunit of NALCN channel complex; plus strand). Cytogenetic location: 2q34.
Variant type: single nucleotide variant.
Coding change: c.4508C>T on transcript NM_001371986.1 (MANE Select); coding-DNA position 4508, C replaced by T.
Protein change: p.Pro1503Leu; replaces proline 1503 with leucine.
Molecular consequence: missense variant.
Genome position (GRCh38, 1-based): chr2:209,896,340, C>T. VCF-style: chr2-209896340-C-T. GRCh37 (hg19) VCF-style: chr2-210761064-C-T.
Other names: c.4310C>T, p.Pro1437Leu (NM_032504.2); c.4295C>T, p.Pro1432Leu (NM_182587.4); short protein forms P1432L, P1437L, P1503L.
Identifiers: ClinVar variation 1315160 (VCV001315160.8), dbSNP rs1391759120, ClinGen allele CA350751908.

ClinVar aggregate classification (germline): Uncertain significance. Review status: criteria provided, multiple submitters, no conflicts (2 of 4 stars). 3 submissions from 3 submitters: Uncertain significance (3). Last evaluated 2022-03-27.

Conditions:
Hypotonia, infantile, with psychomotor retardation and characteristic facies 2 (IHPRF2). Also called: UNC80 Deficiency. Identifiers: Orphanet 371364, Orphanet 700333, MedGen C4225203, MONDO:0014777, OMIM 616801.

Allele frequency attached by ClinVar (database versions not stated): gnomAD exomes below 0.00001 and 0.00004; gnomAD 0.00001; TOPMed 0.00002.
gnomAD v4.1: 7 of 1,551,472 alleles (0.00045%); highest among the groups gnomAD compares: East Asian, 0.015%; no homozygotes.

Submissions (3):

Labcorp Genetics (formerly Invitae), Labcorp
Classification: Uncertain significance. Last evaluated: 2022-03-27. Review status: criteria provided, single submitter. Criteria: Invitae Variant Classification Sherloc (09022015). Collection method: clinical testing. Allele origin: germline.
Comment: This sequence change replaces proline, which is neutral and non-polar, with leucine, which is neutral and non-polar, at codon 1437 of the UNC80 protein (p.Pro1437Leu). This variant is present in population databases (no rsID available, gnomAD 0.06%). In summary, the available evidence is currently insufficient to determine the role of this variant in disease. Therefore, it has been classified as a Variant of Uncertain Significance. Algorithms developed to predict the effect of missense changes on protein structure and function are either unavailable or do not agree on the potential impact of this missense change (SIFT: "Not Available"; PolyPhen-2: "Probably Damaging"; Align-GVGD: "Not Available"). ClinVar contains an entry for this variant (Variation ID: 1315160). This missense change has been observed in individual(s) with neonatal encephalopathy (PMID: 32712949).

Revvity Omics, Revvity
Classification: Uncertain significance for Hypotonia, infantile, with psychomotor retardation and characteristic facies 2. Last evaluated: 2021-09-21. Review status: criteria provided, single submitter. Criteria: ACMG Guidelines, 2015. Collection method: clinical testing. Allele origin: germline.

GeneDx
Classification: Uncertain significance. Last evaluated: 2021-06-04. Review status: criteria provided, single submitter. Criteria: GeneDx Variant Classification Process June 2021. Collection method: clinical testing. Allele origin: germline. Affected: yes.
Comment: In silico analysis supports that this missense variant has a deleterious effect on protein structure/function; Has not been previously published as pathogenic or benign to our knowledge; This variant is associated with the following publications: (PMID: 27535533, 32712949)

Literature cited by the submitters: PubMed 32712949 (cited by Labcorp Genetics (formerly Invitae), Labcorp).